The following is an entry in ClinVar:

NM_004360.5(CDH1):c.1466dup (p.Pro489_Glu490insTer)

Gene: CDH1 (cadherin 1; plus strand). Cytogenetic location: 16q22.1.
Variant type: Duplication.
Coding change: c.1466dup on transcript NM_004360.5 (MANE Select); coding-DNA position 1466, one base duplicated (C; older notation c.1466dupC).
Protein change: p.Pro489_Glu490insTer.
Molecular consequence: frameshift variant. On other transcripts: 5 prime UTR variant (2).
Genome position (GRCh38, 1-based): chr16:68,815,660, C duplicated; the last of 2 consecutive C bases (chr16:68,815,659-68,815,660); duplicating either gives the same sequence. VCF-style (leftmost placement, unchanged base first): chr16-68815658-T-TC. GRCh37 (hg19) VCF-style: chr16-68849561-T-TC.
Other names: c.1283dup, p.Pro428_Glu429insTer (NM_001317184.2); c.-83dup (NM_001317185.2); c.-354dup (NM_001317186.2).
Identifiers: ClinVar variation 2502960 (VCV002502960.1), dbSNP rs2543930941, ClinGen allele CA2580612859.

ClinVar aggregate classification (germline): Pathogenic (1 of 4 stars; one submission).

Conditions:
Hereditary diffuse gastric adenocarcinoma (HDGC). Also called: DIFFUSE GASTRIC AND LOBULAR BREAST CANCER SYNDROME. Identifiers: Orphanet 26106, MedGen C1708349, MONDO:0007648, OMIM 137215.

Submission:

European Reference Network on Genetic Tumour Risk Syndromes (ERN-GENTURIS), i3s - Instituto de Investigação e Inovação em Saúde, University of Porto
Classification: Pathogenic for Hereditary diffuse gastric adenocarcinoma. Last evaluated: 2022-08-01. Review status: criteria provided, single submitter. Criteria: Lee et al. (Hum Mutat. 2018). Collection method: clinical testing. Allele origin: germline. Inheritance: Autosomal dominant inheritance. Affected: yes. Study: ERN GENTURIS.
Comment: PVS1; PS4_Supporting; PM2 (PMID: 30311375)

Literature cited by the submitters: PubMed 36436516.